The following is an entry in ClinVar:

NM_000540.3(RYR1):c.1123-9del

Gene: RYR1 (ryanodine receptor 1; plus strand). Cytogenetic location: 19q13.2.
Variant type: Deletion.
Coding change: c.1123-9del on transcript NM_000540.3 (MANE Select); 9 bases into the intron before coding-DNA position 1123, one base deleted (C; older notation c.1123-9delC).
Molecular consequence: intron variant.
Genome position (GRCh38, 1-based): chr19:38,451,755, C deleted; the last of 4 consecutive C bases (chr19:38,451,752-38,451,755); deleting any one gives the same sequence. VCF-style (leftmost placement, unchanged base first): chr19-38451751-TC-T. GRCh37 (hg19) VCF-style: chr19-38942391-TC-T.
Other names: c.1123-9delC (NM_000540.2); c.1123-9del (NM_001042723.2).
Identifiers: ClinVar variation 1554084 (VCV001554084.8), dbSNP rs775029935, ClinGen allele CA056474.

ClinVar aggregate classification (germline): Benign/Likely benign. Review status: criteria provided, multiple submitters, no conflicts (2 of 4 stars). 2 submissions from 2 submitters: Benign (1); Likely benign (1). Last evaluated 2025-10-02.

Conditions:
RYR1-related disorder. Also called: RYR1-related condition; RYR1-related disorders. Identifiers: MedGen CN239331.

Submissions (2):

Labcorp Genetics (formerly Invitae), Labcorp
Classification: Benign for RYR1-related disorder. Last evaluated: 2025-10-02. Review status: criteria provided, single submitter. Criteria: Invitae Variant Classification Sherloc (09022015). Collection method: clinical testing. Allele origin: germline.

Women's Health and Genetics/Laboratory Corporation of America, LabCorp
Classification: Likely benign. Last evaluated: 2023-09-06. Review status: criteria provided, single submitter. Criteria: LabCorp Variant Classification Summary - May 2015. Collection method: clinical testing. Allele origin: germline.
Comment: Variant summary: RYR1 c.1123-9delC alters a nucleotide located at a position not widely known to affect splicing. Consensus agreement among computation tools predict no significant impact on normal splicing. However, these predictions have yet to be confirmed by functional studies. The variant allele was found at a frequency of 8e-06 in 250712 control chromosomes (gnomAD). The available data on variant occurrences in the general population are insufficient to allow any conclusion about variant significance. To our knowledge, no occurrence of c.1123-9delC in individuals affected with Malignant Hyperthermia Susceptibility and no experimental evidence demonstrating its impact on protein function have been reported. One ClinVar submitter has assessed the variant since 2014, and classified the variant as benign. Based on the evidence outlined above, the variant was classified as likely benign.